The following is an entry in ClinVar:

ClinVar aggregate classification (germline): Pathogenic (1 of 4 stars; one submission).

Submission:

CeGaT Center for Human Genetics Tuebingen
Classification: Pathogenic. Last evaluated: 2025-07-01. Review status: criteria provided, single submitter. Criteria: CeGaT Center For Human Genetics Tuebingen Variant Classification Criteria Version 2. Collection method: clinical testing. Allele origin: germline. Affected: yes. Observed: 1 variant allele.
Comment: TWNK: PVS1, PM2

NM_021830.5(TWNK):c.961_964del (p.Phe321fs)

Gene: TWNK (twinkle mtDNA helicase; plus strand). Cytogenetic location: 10q24.31.
Variant type: Deletion.
Coding change: c.961_964del on transcript NM_021830.5 (MANE Select); coding-DNA positions 961 to 964, 4 bases deleted (TTTG; older notation c.961_964delTTTG).
Protein change: p.Phe321fs; shifts the reading frame from phenylalanine 321.
Molecular consequence: frameshift variant. On other transcripts: non-coding transcript variant (4), intron variant (3).
Genome position (GRCh38, 1-based): chr10:100,989,171-100,989,174, TTTG deleted; deleting any 4 consecutive bases within chr10:100,989,168-100,989,174 gives the same sequence; the c. name uses the placement nearest the transcript's 3' end. VCF-style (leftmost placement, unchanged base first): chr10-100989167-GTTGT-G. GRCh37 (hg19) VCF-style: chr10-102748924-GTTGT-G.
Other names: c.961_964del, p.Phe321fs (NM_001163812.2); c.-119-473_-119-470del (NM_001163814.2, NM_001163813.2); c.-57-535_-57-532del (NM_001368275.1); short protein forms F321fs.
Identifiers: ClinVar variation 4085430 (VCV004085430.8).